The following is an entry in ClinVar:

NM_001291303.3(FAT4):c.4436A>G (p.Tyr1479Cys)

Gene: FAT4 (FAT atypical cadherin 4; plus strand). Cytogenetic location: 4q28.1.
Variant type: single nucleotide variant.
Coding change: c.4436A>G on transcript NM_001291303.3 (MANE Select); coding-DNA position 4436, A replaced by G.
Protein change: p.Tyr1479Cys; replaces tyrosine 1479 with cysteine.
Molecular consequence: missense variant.
Genome position (GRCh38, 1-based): chr4:125,320,847, A>G. VCF-style: chr4-125320847-A-G. GRCh37 (hg19) VCF-style: chr4-126242002-A-G.
Other names: c.4436A>G, p.Tyr1479Cys (NM_001291285.3, NM_024582.6); short protein forms Y1479C.
Identifiers: ClinVar variation 2073164 (VCV002073164.4), dbSNP rs2530451526, ClinGen allele CA358126410.

ClinVar aggregate classification (germline): Uncertain significance (1 of 4 stars; one submission).

Allele frequency attached by ClinVar (database versions not stated): gnomAD exomes below 0.00001.
gnomAD v4.1: 2 of 1,614,190 alleles (0.00012%); highest among the groups gnomAD compares: Non-Finnish European, 0.00017%; no homozygotes.

Submission:

Labcorp Genetics (formerly Invitae), Labcorp
Classification: Uncertain significance. Last evaluated: 2024-11-11. Review status: criteria provided, single submitter. Criteria: Invitae Variant Classification Sherloc (09022015). Collection method: clinical testing. Allele origin: germline.
Comment: This sequence change replaces tyrosine, which is neutral and polar, with cysteine, which is neutral and slightly polar, at codon 1479 of the FAT4 protein (p.Tyr1479Cys). This variant is not present in population databases (gnomAD no frequency). This variant has not been reported in the literature in individuals affected with FAT4-related conditions. ClinVar contains an entry for this variant (Variation ID: 2073164). Invitae Evidence Modeling of protein sequence and biophysical properties (such as structural, functional, and spatial information, amino acid conservation, physicochemical variation, residue mobility, and thermodynamic stability) indicates that this missense variant is not expected to disrupt FAT4 protein function with a negative predictive value of 80%. In summary, the available evidence is currently insufficient to determine the role of this variant in disease. Therefore, it has been classified as a Variant of Uncertain Significance.